The following is an entry in ClinVar:

NM_022841.7(RFX7):c.2921G>A (p.Ser974Asn)

Gene: RFX7 (regulatory factor X7; minus strand). Cytogenetic location: 15q21.3.
Variant type: single nucleotide variant.
Coding change: c.2921G>A on transcript NM_022841.7 (MANE Select); coding-DNA position 2921, G replaced by A.
Protein change: p.Ser974Asn; replaces serine 974 with asparagine.
Molecular consequence: missense variant.
Genome position (GRCh38, 1-based): chr15:56,094,807, C>T on the plus strand (G>A on the coding strand, the complement: RFX7 is on the minus strand). VCF-style: chr15-56094807-C-T. GRCh37 (hg19) VCF-style: chr15-56387005-C-T.
Other names: c.2630G>A, p.Ser877Asn (NM_001368073.2, NM_001368074.1, NM_001370554.1); c.2921G>A, p.Ser974Asn (NM_001370561.1); short protein forms S877N, S974N.
Identifiers: ClinVar variation 1309611 (VCV001309611.5), dbSNP rs1205604762, ClinGen allele CA392578055.

ClinVar aggregate classification (germline): Uncertain significance. Review status: criteria provided, multiple submitters, no conflicts (2 of 4 stars). 3 submissions from 3 submitters: Uncertain significance (3). Last evaluated 2022-06-03.

Conditions:
Inborn genetic diseases. Identifiers: MedGen C0950123, MeSH D030342.

Allele frequency attached by ClinVar (database versions not stated): gnomAD exomes below 0.00001; gnomAD 0.00001; TOPMed 0.00001.
gnomAD v4.1: 5 of 1,589,726 alleles (0.00031%); highest among the groups gnomAD compares: Non-Finnish European, 0.00043%; no homozygotes.

Submissions (3):

Ambry Genetics
Classification: Uncertain significance for Inborn genetic diseases. Last evaluated: 2022-06-03. Review status: criteria provided, single submitter. Criteria: Ambry Variant Classification Scheme 2023. Collection method: clinical testing. Allele origin: germline.

GeneDx
Classification: Uncertain significance. Last evaluated: 2019-10-24. Review status: criteria provided, single submitter. Criteria: GeneDx Variant Classification Process June 2021. Collection method: clinical testing. Allele origin: germline. Affected: yes.
Comment: In silico analysis, which includes protein predictors and evolutionary conservation, supports that this variant does not alter protein structure/function; Has not been previously published as pathogenic or benign to our knowledge; Variants in candidate genes are classified as variants of uncertain significance in accordance with ACMG guidelines (Richards et al., 2015)

Breakthrough Genomics
Classification: Uncertain significance. Review status: criteria provided, single submitter. Criteria: ACMG Guidelines, 2015. Collection method: not provided. Allele origin: germline. Inheritance: Unknown mechanism. Affected: yes.